The following is an entry in ClinVar:

NM_199355.4(ADAMTS18):c.1898G>T (p.Arg633Leu)

Gene: ADAMTS18 (ADAM metallopeptidase with thrombospondin type 1 motif 18; minus strand). Cytogenetic location: 16q23.1.
Variant type: single nucleotide variant.
Coding change: c.1898G>T on transcript NM_199355.4 (MANE Select); coding-DNA position 1898, G replaced by T.
Protein change: p.Arg633Leu; replaces arginine 633 with leucine.
Molecular consequence: missense variant.
Genome position (GRCh38, 1-based): chr16:77,326,000, C>A on the plus strand (G>T on the coding strand, the complement: ADAMTS18 is on the minus strand). VCF-style: chr16-77326000-C-A. GRCh37 (hg19) VCF-style: chr16-77359897-C-A.
Other names: c.1382G>T, p.Arg461Leu (NM_001326358.2); short protein forms R461L, R633L.
Identifiers: ClinVar variation 1410248 (VCV001410248.8), dbSNP rs200297898, ClinGen allele CA8181123.

ClinVar aggregate classification (germline): Uncertain significance (1 of 4 stars; one submission).

Allele frequency attached by ClinVar (database versions not stated): gnomAD exomes below 0.00001; ExAC 0.00001.
gnomAD v4.1: 2 of 1,614,008 alleles (0.00012%); highest among the groups gnomAD compares: Non-Finnish European, 0.00017%; no homozygotes.

Submission:

Labcorp Genetics (formerly Invitae), Labcorp
Classification: Uncertain significance. Last evaluated: 2022-05-15. Review status: criteria provided, single submitter. Criteria: Invitae Variant Classification Sherloc (09022015). Collection method: clinical testing. Allele origin: germline.
Comment: This sequence change replaces arginine, which is basic and polar, with leucine, which is neutral and non-polar, at codon 633 of the ADAMTS18 protein (p.Arg633Leu). In summary, the available evidence is currently insufficient to determine the role of this variant in disease. Therefore, it has been classified as a Variant of Uncertain Significance. Algorithms developed to predict the effect of missense changes on protein structure and function are either unavailable or do not agree on the potential impact of this missense change (SIFT: "Not Available"; PolyPhen-2: "Probably Damaging"; Align-GVGD: "Not Available"). This variant has not been reported in the literature in individuals affected with ADAMTS18-related conditions. This variant is present in population databases (rs200297898, gnomAD 0.0009%).